The following is an entry in ClinVar:

ClinVar aggregate classification (germline): Uncertain significance (1 of 4 stars; one submission).

Conditions:
Inborn genetic diseases. Identifiers: MedGen C0950123, MeSH D030342.

Submission:

Ambry Genetics
Classification: Uncertain significance for Inborn genetic diseases. Last evaluated: 2026-06-24. Review status: criteria provided, single submitter. Criteria: Ambry Variant Classification Scheme 2023. Collection method: clinical testing. Allele origin: germline.
Comment: The p.F245C variant (also known as c.734T>G), located in coding exon 7 of the CEP57 gene, results from a T to G substitution at nucleotide position 734. The phenylalanine at codon 245 is replaced by cysteine, an amino acid with highly dissimilar properties. This amino acid position is conserved. In addition, this alteration is predicted to be tolerated by in silico analysis. Based on the available evidence, the clinical significance of this variant remains unclear.

NM_014679.5(CEP57):c.734T>G (p.Phe245Cys)

Gene: CEP57 (centrosomal protein 57; plus strand). Cytogenetic location: 11q21.
Variant type: single nucleotide variant.
Coding change: c.734T>G on transcript NM_014679.5 (MANE Select); coding-DNA position 734, T replaced by G.
Protein change: p.Phe245Cys; replaces phenylalanine 245 with cysteine.
Molecular consequence: missense variant. On other transcripts: intron variant (5).
Genome position (GRCh38, 1-based): chr11:95,821,905, T>G. VCF-style: chr11-95821905-T-G. GRCh37 (hg19) VCF-style: chr11-95555069-T-G.
Other names: c.707T>G, p.Phe236Cys (NM_001243776.2); c.734T>G, p.Phe245Cys (NM_001243777.2); c.653T>G, p.Phe218Cys (NM_001363604.2, NM_001440869.1, NM_001440870.1); c.617T>G, p.Phe206Cys (NM_001440872.1, NM_001440876.1); c.554T>G, p.Phe185Cys (NM_001440873.1); c.536T>G, p.Phe179Cys (NM_001440877.1, NM_001440878.1); c.473T>G, p.Phe158Cys (NM_001440880.1); c.437T>G, p.Phe146Cys (NM_001440881.1); and 5 more; short protein forms F158C, F206C, F185C, F245C, F146C, F236C, F179C, F218C.
Identifiers: ClinVar variation 5034360 (VCV005034360.1).
Genomic context (GRCh38, chr11:95,821,905, plus strand): 5'-TAACTTGAGGCTCTCATTTTTCCTAGTTGCAGACTGGTCTAGAAACAAATAGACTTATCT[T>G]TGAAGATAAGGCAACTCCGTGTGTTCCCAATGCAAGAAGAATTAAAAAAAAGAAGTCAAA-3'
Protein context (NP_055494.2, residues 235-255): QTGLETNRLI[Phe245Cys]EDKATPCVPN